The following is an entry in ClinVar:

ClinVar aggregate classification (germline): Likely pathogenic (1 of 4 stars; one submission).

Conditions:
Autosomal recessive Alport syndrome (ATS2). Also called: ALPORT SYNDROME 2, AUTOSOMAL RECESSIVE; COL4A4 Alport Syndrome and Thin Basement Membrane Nephropathy; COL4A3-Related Nephropathy; Alport syndrome type 2. Identifiers: Orphanet 63, Orphanet 88919, MedGen C4746745, MONDO:0008762, OMIM 203780.

Submission:

MVZ Medizinische Genetik Mainz
Classification: Likely pathogenic for Autosomal recessive Alport syndrome. Last evaluated: 2023-09-19. Review status: criteria provided, single submitter. Criteria: UK Practice Guidelines For Variant Classification V4 01 2020. Collection method: clinical testing. Allele origin: germline. Inheritance: Autosomal dominant inheritance. Observed: 1 variant allele.
Comment: ACMG Criteria: PVS1_STR,PS1_SUP,PS4_SUP,PM2_SUP,PP4

NM_000092.5(COL4A4):c.193-2del

Gene: COL4A4 (collagen type IV alpha 4 chain; minus strand). Cytogenetic location: 2q36.3.
Variant type: Deletion.
Coding change: c.193-2del on transcript NM_000092.5 (MANE Select); the canonical splice acceptor site of the intron before coding-DNA position 193, one base deleted (A; older notation c.193-2delA).
Molecular consequence: splice acceptor variant.
Genome position (GRCh38, 1-based): chr2:227,121,150, T deleted on the plus strand (A on the coding strand, the reverse complement: COL4A4 is on the minus strand). VCF-style (leftmost placement, unchanged base first): chr2-227121149-CT-C. GRCh37 (hg19) VCF-style: chr2-227985865-CT-C.
Identifiers: ClinVar variation 3066363 (VCV003066363.1), dbSNP rs2476245865, ClinGen allele CA2740098049.